The following is an entry in ClinVar:

ClinVar aggregate classification (germline): Uncertain significance (1 of 4 stars; one submission).

Conditions:
Nemaline myopathy 10 (NEM10). Identifiers: MedGen C4015360, MONDO:0014513, OMIM 616165.

Allele frequency attached by ClinVar (database versions not stated): gnomAD exomes 0.00001; TOPMed below 0.00001; ExAC 0.00001; gnomAD 0.00001.
gnomAD v4.1: 9 of 1,613,174 alleles (0.00056%); highest among the groups gnomAD compares: Admixed American, 0.013%; no homozygotes.

Submission:

Labcorp Genetics (formerly Invitae), Labcorp
Classification: Uncertain significance for Nemaline myopathy 10. Last evaluated: 2022-10-04. Review status: criteria provided, single submitter. Criteria: Invitae Variant Classification Sherloc (09022015). Collection method: clinical testing. Allele origin: germline.
Comment: In summary, the available evidence is currently insufficient to determine the role of this variant in disease. Therefore, it has been classified as a Variant of Uncertain Significance. Algorithms developed to predict the effect of missense changes on protein structure and function output the following: SIFT: "Tolerated"; PolyPhen-2: "Benign"; Align-GVGD: "Class C0". The serine amino acid residue is found in multiple mammalian species, which suggests that this missense change does not adversely affect protein function. This variant has not been reported in the literature in individuals affected with LMOD3-related conditions. This variant is present in population databases (rs761144290, gnomAD 0.02%). This sequence change replaces proline, which is neutral and non-polar, with serine, which is neutral and polar, at codon 461 of the LMOD3 protein (p.Pro461Ser).

NM_198271.5(LMOD3):c.1381C>T (p.Pro461Ser)

Gene: LMOD3 (leiomodin 3; minus strand). Cytogenetic location: 3p14.1.
Variant type: single nucleotide variant.
Coding change: c.1381C>T on transcript NM_198271.5 (MANE Select); coding-DNA position 1381, C replaced by T.
Protein change: p.Pro461Ser; replaces proline 461 with serine.
Molecular consequence: missense variant.
Genome position (GRCh38, 1-based): chr3:69,118,974, G>A on the plus strand (C>T on the coding strand, the complement: LMOD3 is on the minus strand). VCF-style: chr3-69118974-G-A. GRCh37 (hg19) VCF-style: chr3-69168125-G-A.
Other names: c.1381C>T, p.Pro461Ser (NM_001304418.3); short protein forms P461S.
Identifiers: ClinVar variation 2039522 (VCV002039522.4), dbSNP rs761144290, ClinGen allele CA2488796.
Genomic context (GRCh38, chr3:69,118,974, plus strand): 5'-CTGTCCTGTACTTCGGGGCCTGCGATGGCTTTTTCATCATTTCACTGCGTTGACTAAAGG[G>A]GACATTTTGGGGGTTGGGAGGCCGAGGTGGCGGTGGCTGGAAGAATTCCTGCATTCTGGA-3'
Protein context (NP_938012.2, residues 451-471): PPRPPNPQNV[Pro461Ser]FSQRSEMMKK